The following is an entry in ClinVar:

NM_001330360.2(POLA1):c.3282T>C (p.Ala1094=)

Gene: POLA1 (DNA polymerase alpha 1, catalytic subunit; plus strand). Cytogenetic location: Xp22.11.
Variant type: single nucleotide variant.
Coding change: c.3282T>C on transcript NM_001330360.2 (MANE Select); coding-DNA position 3282, T replaced by C.
Protein change: p.Ala1094=; no amino-acid change (alanine 1094 retained).
Molecular consequence: synonymous variant. On other transcripts: non-coding transcript variant (2).
Genome position (GRCh38, 1-based): chrX:24,812,849, T>C. VCF-style: chrX-24812849-T-C. GRCh37 (hg19) VCF-style: chrX-24830966-T-C.
Other names: c.3207T>C, p.Ala1069= (NM_001378303.1); c.3264T>C, p.Ala1088= (NM_016937.4).
Identifiers: ClinVar variation 3257355 (VCV003257355.17).
Genomic context (GRCh38, chrX:24,812,849, plus strand): 5'-TGTCACCAAACAGGAGCTCAAAGGATTAGATATAGTTAGAAGAGATTGGTGTGATCTTGC[T>C]AAAGACACTGGAAAGTGAGTTCAGCTTTCAGTTTTGCTTTTCTTGTTTGTCTTTTAAAAA-3'
Protein context (NP_001317289.1, residues 1084-1104): DIVRRDWCDL[Ala1094=]KDTGNFVIGQ

ClinVar aggregate classification (germline): Likely benign (1 of 4 stars; one submission).

Submission:

CeGaT Center for Human Genetics Tuebingen
Classification: Likely benign. Last evaluated: 2024-07-01. Review status: criteria provided, single submitter. Criteria: CeGaT Center For Human Genetics Tuebingen Variant Classification Criteria Version 2. Collection method: clinical testing. Allele origin: germline. Affected: yes. Observed: 1 variant allele.
Comment: POLA1: PM2:Supporting, BP4, BP7